The following is an entry in ClinVar:

NM_000152.5(GAA):c.2798A>G (p.Lys933Arg)

Gene: GAA (alpha glucosidase; plus strand). Cytogenetic location: 17q25.3.
Variant type: single nucleotide variant.
Coding change: c.2798A>G on transcript NM_000152.5 (MANE Select); coding-DNA position 2798, A replaced by G.
Protein change: p.Lys933Arg; replaces lysine 933 with arginine.
Molecular consequence: missense variant.
Genome position (GRCh38, 1-based): chr17:80,118,804, A>G. VCF-style: chr17-80118804-A-G. GRCh37 (hg19) VCF-style: chr17-78092603-A-G.
Other names: c.2798A>G, p.Lys933Arg (NM_001079803.3, NM_001079804.3, NM_001406741.1 and 1 more transcripts); short protein forms K933R.
Identifiers: ClinVar variation 2125457 (VCV002125457.4), dbSNP rs2510405291, ClinGen allele CA401327482.

ClinVar aggregate classification (germline): Uncertain significance (1 of 4 stars; one submission).

Conditions:
Glycogen storage disease, type II (IOPD). Also called: Glucosidase acid-1,4-alpha deficiency; Pompe Disease; POMPE DISEASE, INFANTILE-ONSET; GLYCOGEN STORAGE DISEASE II, INFANTILE-ONSET; ACID ALPHA-GLUCOSIDASE DEFICIENCY, INFANTILE-ONSET; GAA DEFICIENCY, INFANTILE-ONSET. Identifiers: Orphanet 365, MedGen C0017921, MONDO:0009290, OMIM 232300.

Submission:

Labcorp Genetics (formerly Invitae), Labcorp
Classification: Uncertain significance for Glycogen storage disease, type II. Last evaluated: 2022-04-12. Review status: criteria provided, single submitter. Criteria: Invitae Variant Classification Sherloc (09022015). Collection method: clinical testing. Allele origin: germline.
Comment: This variant is not present in population databases (gnomAD no frequency). This variant has not been reported in the literature in individuals affected with GAA-related conditions. Algorithms developed to predict the effect of missense changes on protein structure and function (SIFT, PolyPhen-2, Align-GVGD) all suggest that this variant is likely to be tolerated. Algorithms developed to predict the effect of sequence changes on RNA splicing suggest that this variant may disrupt the consensus splice site. In summary, the available evidence is currently insufficient to determine the role of this variant in disease. Therefore, it has been classified as a Variant of Uncertain Significance. This sequence change replaces lysine, which is basic and polar, with arginine, which is basic and polar, at codon 933 of the GAA protein (p.Lys933Arg).